The following is an entry in ClinVar:

NM_002299.4(LCT):c.2706G>A (p.Thr902=)

Gene: LCT (lactase; minus strand). Cytogenetic location: 2q21.3.
Variant type: single nucleotide variant.
Coding change: c.2706G>A on transcript NM_002299.4 (MANE Select); coding-DNA position 2706, G replaced by A.
Protein change: p.Thr902=; no amino-acid change (threonine 902 retained).
Molecular consequence: synonymous variant.
Genome position (GRCh38, 1-based): chr2:135,809,641, C>T on the plus strand (G>A on the coding strand, the complement: LCT is on the minus strand). VCF-style: chr2-135809641-C-T. GRCh37 (hg19) VCF-style: chr2-136567211-C-T.
Other names: c.2706G>A (NM_002299.2).
Identifiers: ClinVar variation 729066 (VCV000729066.14), dbSNP rs138911236, ClinGen allele CA1888181.
Genomic context (GRCh38, chr2:135,809,641, plus strand): 5'-CCACGCGCCTTCAATCTGATAAGCGGAAGAGGACACGCCCCACAGAAAGTCATCCCGAAA[C>T]GTCCCGTGGTAGAACAAATCTCTTTCGAACTTGGGTTGGCTGGAGAACTTTTCCCAAACG-3'
Protein context (NP_002290.2, residues 892-912): KFERDLFYHG[Thr902=]FRDDFLWGVS

ClinVar aggregate classification (germline): Benign/Likely benign. Review status: criteria provided, multiple submitters, no conflicts (2 of 4 stars). 5 submissions from 5 submitters: Benign (2); Likely benign (2). 1 of the submissions does not count toward it. Last evaluated 2026-01-24.

Conditions:
LCT-related disorder. Also called: LCT-related condition.
Inborn genetic diseases. Identifiers: MedGen C0950123, MeSH D030342.

Allele frequency attached by ClinVar (database versions not stated): gnomAD exomes 0.00011 and 0.00036; ExAC 0.00046; ESP Exome Variant Server 0.00123; gnomAD 0.00126 and 0.00173; 1000 Genomes Project 30x 0.00187; TOPMed 0.00196; 1000 Genomes Project 0.00220.
gnomAD v4.1: 424 of 1,614,232 alleles (0.026%); highest among the groups gnomAD compares: African/African-American, 0.4%; 1 homozygote.

Submissions (5):

Labcorp Genetics (formerly Invitae), Labcorp
Classification: Benign. Last evaluated: 2026-01-24. Review status: criteria provided, single submitter. Criteria: Invitae Variant Classification Sherloc (09022015). Collection method: clinical testing. Allele origin: germline.

Blueprint Genetics
Classification: Likely benign. Last evaluated: 2024-11-01. Review status: criteria provided, single submitter. Criteria: ACMG Guidelines, 2015. Collection method: clinical testing. Allele origin: germline.

Ambry Genetics
Classification: Likely benign for Inborn genetic diseases. Last evaluated: 2024-07-14. Review status: criteria provided, single submitter. Criteria: Ambry Variant Classification Scheme 2023. Collection method: clinical testing. Allele origin: germline.

Breakthrough Genomics
Classification: Benign. Review status: criteria provided, single submitter. Criteria: ACMG Guidelines, 2015. Collection method: not provided. Allele origin: germline. Inheritance: Autosomal recessive inheritance. Affected: yes.

PreventionGenetics, part of Exact Sciences
Classification: Likely benign for LCT-related condition. Last evaluated: 2024-06-13. Review status: no assertion criteria provided. Collection method: clinical testing. Allele origin: germline. Not counted in ClinVar's aggregate classification.
Comment: This variant is classified as likely benign based on ACMG/AMP sequence variant interpretation guidelines (Richards et al. 2015 PMID: 25741868, with internal and published modifications).